The following is an entry in ClinVar:

NM_000135.4(FANCA):c.2178C>A (p.Phe726Leu)

Gene: FANCA (FA complementation group A; minus strand). Cytogenetic location: 16q24.3.
Variant type: single nucleotide variant.
Coding change: c.2178C>A on transcript NM_000135.4 (MANE Select); coding-DNA position 2178, C replaced by A.
Protein change: p.Phe726Leu; replaces phenylalanine 726 with leucine.
Molecular consequence: missense variant.
Genome position (GRCh38, 1-based): chr16:89,770,608, G>T on the plus strand (C>A on the coding strand, the complement: FANCA is on the minus strand). VCF-style: chr16-89770608-G-T. GRCh37 (hg19) VCF-style: chr16-89837016-G-T.
Other names: c.2178C>A, p.Phe726Leu (NM_001286167.3); short protein forms F726L.
Identifiers: ClinVar variation 4826902 (VCV004826902.1).

ClinVar aggregate classification (germline): Uncertain significance (1 of 4 stars; one submission).

Conditions:
Inborn genetic diseases. Identifiers: MedGen C0950123, MeSH D030342.

Submission:

Ambry Genetics
Classification: Uncertain significance for Inborn genetic diseases. Last evaluated: 2026-02-24. Review status: criteria provided, single submitter. Criteria: Ambry Variant Classification Scheme 2023. Collection method: clinical testing. Allele origin: germline.
Comment: The p.F726L variant (also known as c.2178C>A), located in coding exon 24 of the FANCA gene, results from a C to A substitution at nucleotide position 2178. The phenylalanine at codon 726 is replaced by leucine, an amino acid with highly similar properties. This amino acid position is conserved. In addition, this alteration is predicted to be deleterious by in silico analysis. Based on the available evidence, the clinical significance of this variant remains unclear.